The following is an entry in ClinVar:

ClinVar aggregate classification (germline): Uncertain significance. Review status: criteria provided, single submitter (1 of 4 stars). 2 submissions from 2 submitters: Uncertain significance (1). 1 of the submissions does not count toward it. Last evaluated 2025-04-03.

Allele frequency attached by ClinVar (database versions not stated): gnomAD 0.00005; ESP Exome Variant Server 0.00015; gnomAD exomes 0.00017 and 0.00010; TOPMed 0.00006; ExAC 0.00012.
gnomAD v4.1: 255 of 1,614,034 alleles (0.016%); highest among the groups gnomAD compares: Non-Finnish European, 0.019%; no homozygotes.

Submissions (2):

Labcorp Genetics (formerly Invitae), Labcorp
Classification: Uncertain significance. Last evaluated: 2025-04-03. Review status: criteria provided, single submitter. Criteria: Invitae Variant Classification Sherloc (09022015). Collection method: clinical testing. Allele origin: germline.
Comment: This sequence change replaces leucine, which is neutral and non-polar, with proline, which is neutral and non-polar, at codon 215 of the WDR11 protein (p.Leu215Pro). This variant is present in population databases (rs140904601, gnomAD 0.02%). This variant has not been reported in the literature in individuals affected with WDR11-related conditions. ClinVar contains an entry for this variant (Variation ID: 1048865). An algorithm developed to predict the effect of missense changes on protein structure and function outputs the following: PolyPhen-2: "Benign". The proline amino acid residue is found in multiple mammalian species, which suggests that this missense change does not adversely affect protein function. In summary, the available evidence is currently insufficient to determine the role of this variant in disease. Therefore, it has been classified as a Variant of Uncertain Significance.

Department of Pathology and Laboratory Medicine, Sinai Health System
Classification: Uncertain significance. Review status: no assertion criteria provided. Collection method: clinical testing. Allele origin: unknown. Affected: yes. Study: The Canadian Open Genetics Repository (COGR). Not counted in ClinVar's aggregate classification.
Comment: The WDR11 p.Leu215Pro variant was not identified in the literature nor was it identified in ClinVar or LOVD 3.0. The variant was identified in dbSNP (ID: rs140904601) and in control databases in 24 of 251404 chromosomes at a frequency of 0.00009546 (Genome Aggregation Database March 6, 2019, v2.1.1). The variant was observed in the following populations: South Asian in 6 of 30616 chromosomes (freq: 0.000196), European (non-Finnish) in 17 of 113728 chromosomes (freq: 0.00015) and African in 1 of 16222 chromosomes (freq: 0.000062), but was not observed in the Latino, Ashkenazi Jewish, East Asian, European (Finnish), or Other populations. The p.Leu215 residue is conserved in mammals and computational analyses (PolyPhen-2, SIFT, AlignGVGD, BLOSUM, MutationTaster) provide inconsistent predictions regarding the impact to the protein; this information is not very predictive of pathogenicity. The variant occurs outside of the splicing consensus sequence and in silico or computational prediction software programs (SpliceSiteFinder, MaxEntScan, NNSPLICE, GeneSplicer) do not predict a difference in splicing. In summary, based on the above information the clinical significance of this variant cannot be determined with certainty at this time. This variant is classified as a variant of uncertain significance.

NM_018117.12(WDR11):c.644T>C (p.Leu215Pro)

Gene: WDR11 (WD repeat domain 11; plus strand). Cytogenetic location: 10q26.12.
Variant type: single nucleotide variant.
Coding change: c.644T>C on transcript NM_018117.12 (MANE Select); coding-DNA position 644, T replaced by C.
Protein change: p.Leu215Pro; replaces leucine 215 with proline.
Molecular consequence: missense variant.
Genome position (GRCh38, 1-based): chr10:120,862,852, T>C. VCF-style: chr10-120862852-T-C. GRCh37 (hg19) VCF-style: chr10-122622364-T-C.
Other names: short protein forms L215P.
Identifiers: ClinVar variation 1048865 (VCV001048865.4), dbSNP rs140904601, ClinGen allele CA5719491.
Genomic context (GRCh38, chr10:120,862,852, plus strand): 5'-CAGGCCCTGGGAAAAAAGTTTACATATCCAGCCCACACTCTAGCCCAGCTCATAACAAGC[T>C]GGCCACAGCCACAGGTGCCAAGAAAGCTCTAAATAAAGTAAAAATTTTAATCACTCAAGA-3'
Protein context (NP_060587.8, residues 205-225): SPHSSPAHNK[Leu215Pro]ATATGAKKAL